The following is an entry in ClinVar:

NM_058246.4(DNAJB6):c.430T>C (p.Phe144Leu)

Gene: DNAJB6 (DnaJ heat shock protein family (Hsp40) member B6; plus strand). Cytogenetic location: 7q36.3.
Variant type: single nucleotide variant.
Coding change: c.430T>C on transcript NM_058246.4 (MANE Select); coding-DNA position 430, T replaced by C.
Protein change: p.Phe144Leu; replaces phenylalanine 144 with leucine.
Molecular consequence: missense variant. On other transcripts: intron variant (1).
Genome position (GRCh38, 1-based): chr7:157,382,329, T>C. VCF-style: chr7-157382329-T-C. GRCh37 (hg19) VCF-style: chr7-157175023-T-C.
Other names: c.430T>C, p.Phe144Leu (NM_005494.3); c.346+14846T>C (NM_001363676.1); short protein forms F144L.
Identifiers: ClinVar variation 1493621 (VCV001493621.6), dbSNP rs2117076306, ClinGen allele CA370166460.

ClinVar aggregate classification (germline): Uncertain significance (1 of 4 stars; one submission).

Conditions:
Autosomal dominant limb-girdle muscular dystrophy type 1D (DNAJB6) (LGMDD1). Also called: MUSCULAR DYSTROPHY, LIMB-GIRDLE, TYPE 1D; MUSCULAR DYSTROPHY, AUTOSOMAL DOMINANT, WITH RIMMED VACUOLES; Autosomal dominant limb-girdle muscular dystrophy type 1D; Muscular dystrophy, limb-girdle, autosomal dominant 1. Identifiers: Orphanet 34516, MedGen C4721885, MONDO:0021018, OMIM 603511.

Submission:

Labcorp Genetics (formerly Invitae), Labcorp
Classification: Uncertain significance for Autosomal dominant limb-girdle muscular dystrophy type 1D (DNAJB6). Last evaluated: 2021-10-12. Review status: criteria provided, single submitter. Criteria: Invitae Variant Classification Sherloc (09022015). Collection method: clinical testing. Allele origin: germline.
Comment: In summary, the available evidence is currently insufficient to determine the role of this variant in disease. Therefore, it has been classified as a Variant of Uncertain Significance. Algorithms developed to predict the effect of missense changes on protein structure and function (SIFT, PolyPhen-2, Align-GVGD) all suggest that this variant is likely to be tolerated. This variant has not been reported in the literature in individuals affected with DNAJB6-related conditions. This variant is not present in population databases (gnomAD no frequency). This sequence change replaces phenylalanine, which is neutral and non-polar, with leucine, which is neutral and non-polar, at codon 144 of the DNAJB6 protein (p.Phe144Leu).